The following is an entry in ClinVar:

ClinVar aggregate classification (germline): Uncertain significance (1 of 4 stars; one submission).

Allele frequency attached by ClinVar (database versions not stated): gnomAD 0.00001; gnomAD exomes 0.00001.
gnomAD v4.1: 8 of 1,530,240 alleles (0.00052%); highest among the groups gnomAD compares: South Asian, 0.005%; no homozygotes.

Submission:

Labcorp Genetics (formerly Invitae), Labcorp
Classification: Uncertain significance. Last evaluated: 2022-07-02. Review status: criteria provided, single submitter. Criteria: Invitae Variant Classification Sherloc (09022015). Collection method: clinical testing. Allele origin: germline.
Comment: The frequency data for this variant in the population databases is considered unreliable, as metrics indicate poor data quality at this position in the gnomAD database. In summary, the available evidence is currently insufficient to determine the role of this variant in disease. Therefore, it has been classified as a Variant of Uncertain Significance. Advanced modeling of protein sequence and biophysical properties (such as structural, functional, and spatial information, amino acid conservation, physicochemical variation, residue mobility, and thermodynamic stability) performed at Invitae indicates that this missense variant is not expected to disrupt CPLANE1 protein function. This variant has not been reported in the literature in individuals affected with CPLANE1-related conditions. This sequence change replaces glycine, which is neutral and non-polar, with serine, which is neutral and polar, at codon 929 of the CPLANE1 protein (p.Gly929Ser).

NM_001384732.1(CPLANE1):c.2785G>A (p.Gly929Ser)

Gene: CPLANE1 (ciliogenesis and planar polarity effector complex subunit 1; minus strand). Cytogenetic location: 5p13.2.
Variant type: single nucleotide variant.
Coding change: c.2785G>A on transcript NM_001384732.1 (MANE Select); coding-DNA position 2785, G replaced by A.
Protein change: p.Gly929Ser; replaces glycine 929 with serine.
Molecular consequence: missense variant.
Genome position (GRCh38, 1-based): chr5:37,213,694, C>T on the plus strand (G>A on the coding strand, the complement: CPLANE1 is on the minus strand). VCF-style: chr5-37213694-C-T. GRCh37 (hg19) VCF-style: chr5-37213796-C-T.
Other names: c.2785G>A, p.Gly929Ser (NM_023073.4); short protein forms G929S.
Identifiers: ClinVar variation 1922140 (VCV001922140.5), dbSNP rs1341411250, ClinGen allele CA359484513.